The following is an entry in ClinVar:

ClinVar aggregate classification (germline): Benign. Review status: criteria provided, multiple submitters, no conflicts (2 of 4 stars). 4 submissions from 4 submitters: Benign (4). Last evaluated 2026-02-01.

Conditions:
Fraser syndrome 1 (FRASRS1). Also called: CRYPTOPHTHALMOS WITH OTHER MALFORMATIONS. Identifiers: Orphanet 2052, MedGen C4551480, MONDO:0054737, OMIM 219000.

Allele frequency attached by ClinVar (database versions not stated): 1000 Genomes Project 30x 0.04763; gnomAD 0.04568; ESP Exome Variant Server 0.04598; 1000 Genomes Project 0.04613; TOPMed 0.04760.
gnomAD v4.1: 13,004 of 1,613,808 alleles (0.81%); highest among the groups gnomAD compares: African/African-American, 15%; 855 homozygotes.

Submissions (4):

Labcorp Genetics (formerly Invitae), Labcorp
Classification: Benign. Last evaluated: 2026-02-01. Review status: criteria provided, single submitter. Criteria: Invitae Variant Classification Sherloc (09022015). Collection method: clinical testing. Allele origin: germline.

Mayo Clinic Laboratories, Mayo Clinic
Classification: Benign. Last evaluated: 2023-04-03. Review status: criteria provided, single submitter. Criteria: ACMG Guidelines, 2015. Collection method: clinical testing. Allele origin: germline. Observed: 1 variant allele.

Illumina Laboratory Services, Illumina
Classification: Benign for Fraser syndrome 1. Last evaluated: 2018-01-12. Review status: criteria provided, single submitter. Criteria: ICSL Variant Classification Criteria 13 December 2019. Collection method: clinical testing. Allele origin: germline.
Comment: This variant was observed in the ICSL laboratory as part of a predisposition screen in an ostensibly healthy population. It had not been previously curated by ICSL or reported in the Human Gene Mutation Database (HGMD: prior to June 1st, 2018), and was therefore a candidate for classification through an automated scoring system. Utilizing variant allele frequency, disease prevalence and penetrance estimates, and inheritance mode, an automated score was calculated to assess if this variant is too frequent to cause the disease. Based on the score and internal cut-off values, a variant classified as benign is not then subjected to further curation. The score for this variant resulted in a classification of benign for this disease.

Breakthrough Genomics
Classification: Benign. Review status: criteria provided, single submitter. Criteria: ACMG Guidelines, 2015. Collection method: not provided. Allele origin: germline. Inheritance: Autosomal recessive inheritance. Affected: yes.

NM_025074.7(FRAS1):c.2128A>C (p.Ile710Leu)

Gene: FRAS1 (Fraser extracellular matrix complex subunit 1; plus strand). Cytogenetic location: 4q21.21.
Variant type: single nucleotide variant.
Coding change: c.2128A>C on transcript NM_025074.7 (MANE Select); coding-DNA position 2128, A replaced by C.
Protein change: p.Ile710Leu; replaces isoleucine 710 with leucine.
Molecular consequence: missense variant.
Genome position (GRCh38, 1-based): chr4:78,318,977, A>C. VCF-style: chr4-78318977-A-C. GRCh37 (hg19) VCF-style: chr4-79240131-A-C.
Other names: p.Ile710Leu; c.2128A>C, p.Ile710Leu (NM_001166133.2); short protein forms I710L.
Identifiers: ClinVar variation 349691 (VCV000349691.14), dbSNP rs345512, ClinGen allele CA2976553.